The following is an entry in ClinVar:

NM_001197104.2(KMT2A):c.5802+2T>A

Gene: KMT2A (lysine methyltransferase 2A; plus strand). Cytogenetic location: 11q23.3.
Variant type: single nucleotide variant.
Coding change: c.5802+2T>A on transcript NM_001197104.2 (MANE Select); the canonical splice donor site of the intron after coding-DNA position 5802, T replaced by A.
Molecular consequence: splice donor variant.
Genome position (GRCh38, 1-based): chr11:118,498,075, T>A. VCF-style: chr11-118498075-T-A. GRCh37 (hg19) VCF-style: chr11-118368790-T-A.
Other names: c.5892+2T>A (NM_001412597.1); c.5793+2T>A (NM_005933.4).
Identifiers: ClinVar variation 2736575 (VCV002736575.3), dbSNP rs1591274370, ClinGen allele CA382798267.
Genomic context (GRCh38, chr11:118,498,075, plus strand): 5'-AAGATGATGACGGATCACTAAAGAATGTGCATATGGCTGTGATCAGGGGCAAGCAGCTGG[T>A]AAGACCTTATGGGTAAATTTTATGAAAGAGATTCCCTCTCAGTTTCCAGATATTCTTCCT-3'

ClinVar aggregate classification (germline): Likely pathogenic (1 of 4 stars; one submission).

Submission:

Labcorp Genetics (formerly Invitae), Labcorp
Classification: Likely pathogenic. Last evaluated: 2023-07-07. Review status: criteria provided, single submitter. Criteria: Invitae Variant Classification Sherloc (09022015). Collection method: clinical testing. Allele origin: germline.
Comment: In summary, the currently available evidence indicates that the variant is pathogenic, but additional data are needed to prove that conclusively. Therefore, this variant has been classified as Likely Pathogenic. Algorithms developed to predict the effect of sequence changes on RNA splicing suggest that this variant may disrupt the consensus splice site. This variant has not been reported in the literature in individuals affected with KMT2A-related conditions. This variant is not present in population databases (gnomAD no frequency). This sequence change affects a donor splice site in intron 21 of the KMT2A gene. It is expected to disrupt RNA splicing. Variants that disrupt the donor or acceptor splice site typically lead to a loss of protein function (PMID: 16199547), and loss-of-function variants in KMT2A are known to be pathogenic (PMID: 22795537, 25810209, 29574747).

Literature cited by the submitters: PubMed 16199547; PubMed 22795537; PubMed 25810209; PubMed 29574747.